The following is an entry in ClinVar:

ClinVar aggregate classification (germline): Uncertain significance. Review status: reviewed by expert panel (3 of 4 stars). 3 submissions from 3 submitters: Uncertain significance (1). 2 of the submissions do not count toward it. Last evaluated 2025-08-27.

Conditions:
CDKL5 disorder. Identifiers: MedGen CN296942, MONDO:0100039.
Developmental and epileptic encephalopathy, 2 (DEE2). Also called: INFANTILE SPASM SYNDROME, X-LINKED 2; CDKL5 deficiency disorder. Identifiers: Orphanet 1934, Orphanet 3451, Orphanet 505652, MedGen C4750718, MONDO:0010396, OMIM 300672.

Submissions (3):

ClinGen Rett and Angelman-like Disorders Variant Curation Expert Panel
Classification: Uncertain significance for CDKL5 disorder. Last evaluated: 2025-08-27. Review status: reviewed by expert panel. Criteria: ClinGen RettAS ACMG Specifications CDKL5 V5.0.0. Collection method: curation. Allele origin: germline. Inheritance: X-linked inheritance.
Comment: The p.Ala122Thr variant has been observed in 3 individuals with CDKL5 disorder (PMIDs: 22872100, 31313283) (PS4_Moderate). The p.Ala122Thr variant in CDKL5 is absent from gnomAD v4.1 (PM2_Supporting). Computational prediction analysis tools are inconclusive for this variant. In summary, the p.Ala122Thr variant in CDKL5 is classified as uncertain significance based on the ACMG/AMP criteria (PS4_Moderate, PM2_Supporting). (CDKL5 Specifications v.5.0.0; curation approved on 8/27/2025)

Centre for Population Genomics, CPG
Classification: Uncertain significance for CDKL5 disorder. Last evaluated: 2024-07-04. Review status: criteria provided, single submitter. Criteria: McKnight et al. (Hum Mutat. 2022). Collection method: curation. Allele origin: germline. Inheritance: X-linked inheritance. Not counted in ClinVar's aggregate classification.
Comment: This variant has been collected from RettBASE and curated to current modified ACMG/AMP criteria. Based on the classification scheme defined by the ClinGen Rett/Angelman-like Expert Panel for Rett/AS-like Disorders Specifications to the ACMG/AMP Variant Interpretation Guidelines VCEP 3.0, this variant is classified as a variant of uncertain significance. At least the following criteria are met: Has been observed in at least 2 individuals with phenotypes consistent with CDKL5 disorder (PS4_Supporting). PMID: 25657822 PMID: 22872100 ClinVar Variation ID: 803716 This variant is absent from gnomAD v4 (PM2_Supporting).

Mendelics
Classification: Pathogenic for Developmental and epileptic encephalopathy, 2. Last evaluated: 2019-05-28. Review status: criteria provided, single submitter. Criteria: Mendelics Assertion Criteria 2017. Collection method: clinical testing. Allele origin: unknown. Not counted in ClinVar's aggregate classification.

NM_001323289.2(CDKL5):c.364G>A (p.Ala122Thr)

Gene: CDKL5 (cyclin dependent kinase like 5; plus strand). Cytogenetic location: Xp22.13.
Variant type: single nucleotide variant.
Coding change: c.364G>A on transcript NM_001323289.2 (MANE Select); coding-DNA position 364, G replaced by A.
Protein change: p.Ala122Thr; replaces alanine 122 with threonine.
Molecular consequence: missense variant.
Genome position (GRCh38, 1-based): chrX:18,579,929, G>A. VCF-style: chrX-18579929-G-A. GRCh37 (hg19) VCF-style: chrX-18598049-G-A.
Other names: NM_001323289.2(CDKL5):c.364G>A; p.Ala122Thr; c.364G>A, p.Ala122Thr (NM_001037343.2, NM_003159.3); short protein forms A122T.
Identifiers: ClinVar variation 803716 (VCV000803716.3), dbSNP rs1602271692, ClinGen allele CA412350200.
Genomic context (GRCh38, chrX:18,579,929, plus strand): 5'-GAAATGCCAAATGGAGTTCCACCTGAGAAAGTAAAAAGCTACATCTATCAGCTAATCAAG[G>A]CTATTCACTGGTGCCATAAGAATGATATTGTCCATCGAGGTGAGTATGAGATTTTTAAAA-3'
Protein context (NP_001310218.1, residues 112-132): VKSYIYQLIK[Ala122Thr]IHWCHKNDIV